The following is an entry in ClinVar:

NM_020937.4(FANCM):c.5164C>A (p.Pro1722Thr)

Gene: FANCM (FA complementation group M; plus strand). Cytogenetic location: 14q21.2.
Variant type: single nucleotide variant.
Coding change: c.5164C>A on transcript NM_020937.4 (MANE Select); coding-DNA position 5164, C replaced by A.
Protein change: p.Pro1722Thr; replaces proline 1722 with threonine.
Molecular consequence: missense variant.
Genome position (GRCh38, 1-based): chr14:45,189,186, C>A. VCF-style: chr14-45189186-C-A. GRCh37 (hg19) VCF-style: chr14-45658389-C-A.
Other names: c.5086C>A, p.Pro1696Thr (NM_001308133.2); short protein forms P1696T, P1722T.
Identifiers: ClinVar variation 4022805 (VCV004022805.1).

ClinVar aggregate classification (germline): Uncertain significance (1 of 4 stars; one submission).

Conditions:
Inborn genetic diseases. Identifiers: MedGen C0950123, MeSH D030342.

Submission:

Ambry Genetics
Classification: Uncertain significance for Inborn genetic diseases. Last evaluated: 2025-05-23. Review status: criteria provided, single submitter. Criteria: Ambry Variant Classification Scheme 2023. Collection method: clinical testing. Allele origin: germline.
Comment: The p.P1722T variant (also known as c.5164C>A), located in coding exon 20 of the FANCM gene, results from a C to A substitution at nucleotide position 5164. The proline at codon 1722 is replaced by threonine, an amino acid with highly similar properties. This amino acid position is conserved. In addition, this alteration is predicted to be tolerated by in silico analysis. Based on the available evidence, the clinical significance of this variant remains unclear.